The following is an entry in ClinVar:

ClinVar aggregate classification (germline): Uncertain significance (1 of 4 stars; one submission).

Conditions:
Joubert syndrome 8 (JBTS8). Identifiers: Orphanet 475, MedGen C2676771, MONDO:0012855, OMIM 612291.

Allele frequency attached by ClinVar (database versions not stated): gnomAD exomes below 0.00001.
gnomAD v4.1: 2 of 1,613,812 alleles (0.00012%); highest among the groups gnomAD compares: African/African-American, 0.0027%; no homozygotes.

Submission:

Labcorp Genetics (formerly Invitae), Labcorp
Classification: Uncertain significance for Joubert syndrome 8. Last evaluated: 2022-01-15. Review status: criteria provided, single submitter. Criteria: Invitae Variant Classification Sherloc (09022015). Collection method: clinical testing. Allele origin: germline.
Comment: This variant has not been reported in the literature in individuals affected with ARL13B-related conditions. This variant is present in population databases (no rsID available, gnomAD 0.007%). This sequence change replaces serine, which is neutral and polar, with tyrosine, which is neutral and polar, at codon 178 of the ARL13B protein (p.Ser178Tyr). In summary, the available evidence is currently insufficient to determine the role of this variant in disease. Therefore, it has been classified as a Variant of Uncertain Significance. Algorithms developed to predict the effect of missense changes on protein structure and function are either unavailable or do not agree on the potential impact of this missense change (SIFT: "Deleterious"; PolyPhen-2: "Probably Damaging"; Align-GVGD: "Class C15").

NM_001174150.2(ARL13B):c.533C>A (p.Ser178Tyr)

Gene: ARL13B (ARF like GTPase 13B; plus strand). Cytogenetic location: 3q11.2.
Variant type: single nucleotide variant.
Coding change: c.533C>A on transcript NM_001174150.2 (MANE Select); coding-DNA position 533, C replaced by A.
Protein change: p.Ser178Tyr; replaces serine 178 with tyrosine.
Molecular consequence: missense variant. On other transcripts: non-coding transcript variant (2).
Genome position (GRCh38, 1-based): chr3:94,036,598, C>A. VCF-style: chr3-94036598-C-A. GRCh37 (hg19) VCF-style: chr3-93755442-C-A.
Other names: c.224C>A, p.Ser75Tyr (NM_001174151.2); c.488C>A, p.Ser163Tyr (NM_001321328.2); c.533C>A, p.Ser178Tyr (NM_001410782.1, NM_182896.3); c.212C>A, p.Ser71Tyr (NM_144996.4); short protein forms S178Y, S71Y, S163Y, S75Y.
Identifiers: ClinVar variation 2083176 (VCV002083176.4), dbSNP rs1218663137, ClinGen allele CA353678206.